The following is an entry in ClinVar:

ClinVar aggregate classification (germline): Benign/Likely benign. Review status: criteria provided, multiple submitters, no conflicts (2 of 4 stars). 4 submissions from 4 submitters: Benign (1); Likely benign (3). Last evaluated 2025-06-04.

Conditions:
Tuberous sclerosis syndrome (TSC). Also called: Tuberous Sclerosis Complex; Tuberous sclerosis. Identifiers: Orphanet 805, MedGen C0041341, MONDO:0001734.
Hereditary cancer-predisposing syndrome. Also called: Neoplastic Syndromes, Hereditary; Hereditary neoplastic syndrome; Hereditary Cancer Syndrome; Tumor predisposition. Identifiers: Orphanet 140162, MedGen C0027672, MeSH D009386, MONDO:0015356.
Tuberous sclerosis 2 (TSC2). Identifiers: Orphanet 805, MedGen C1860707, MONDO:0013199, OMIM 613254.

gnomAD v4.1: 1 of 1,612,548 alleles (0.000062%); highest among the groups gnomAD compares: Non-Finnish European, 0.000085%; no homozygotes.

Submissions (4):

Labcorp Genetics (formerly Invitae), Labcorp
Classification: Likely benign for Tuberous sclerosis 2. Last evaluated: 2025-06-04. Review status: criteria provided, single submitter. Criteria: Invitae Variant Classification Sherloc (09022015). Collection method: clinical testing. Allele origin: germline.

Myriad Genetics, Inc.
Classification: Benign for Tuberous sclerosis 2. Last evaluated: 2025-05-20. Review status: criteria provided, single submitter. Criteria: Myriad Autosomal Dominant, Autosomal Recessive and X-Linked Classification Criteria (2023). Collection method: clinical testing. Allele origin: unknown.
Comment: This variant is considered benign. This variant is a silent/synonymous amino acid change and it is not expected to impact splicing.

All of Us Research Program, National Institutes of Health
Classification: Likely benign for Tuberous sclerosis syndrome. Last evaluated: 2023-12-13. Review status: criteria provided, single submitter. Criteria: ACMG Guidelines, 2015. Collection method: clinical testing. Allele origin: germline. Inheritance: Autosomal dominant inheritance. Observed: 2 variant alleles, 2 heterozygotes.
Comment: This study involves interpretation of variants in research participants for the purpose of population health screening. Participant phenotype was not available at the time of variant classification. Additional details can be found in publication PMID: 35346344, PMCID: PMC8962531

Ambry Genetics
Classification: Likely benign for Hereditary cancer-predisposing syndrome. Last evaluated: 2021-02-03. Review status: criteria provided, single submitter. Criteria: Ambry Variant Classification Scheme 2023. Collection method: clinical testing. Allele origin: germline.

NM_000548.5(TSC2):c.2397C>T (p.Arg799=)

Gene: TSC2 (TSC complex subunit 2; plus strand). Cytogenetic location: 16p13.3.
Variant type: single nucleotide variant.
Coding change: c.2397C>T on transcript NM_000548.5 (MANE Select); coding-DNA position 2397, C replaced by T.
Protein change: p.Arg799=; no amino-acid change (arginine 799 retained).
Molecular consequence: synonymous variant.
Genome position (GRCh38, 1-based): chr16:2,074,241, C>T. VCF-style: chr16-2074241-C-T. GRCh37 (hg19) VCF-style: chr16-2124242-C-T.
Other names: c.2397C>T, p.Arg799= (NM_001077183.3, NM_001114382.3, NM_001363528.2 and 3 more transcripts); c.2286C>T, p.Arg762= (NM_001318827.2); c.2250C>T, p.Arg750= (NM_001318829.2); c.1797C>T, p.Arg599= (NM_001318831.2); c.2430C>T, p.Arg810= (NM_001318832.2).
Identifiers: ClinVar variation 1085400 (VCV001085400.13), dbSNP rs2151348621, ClinGen allele CA492953049.
Genomic context (GRCh38, chr16:2,074,241, plus strand): 5'-GGTGTCCTGTCTCCTGCAGCGCGAGATGGTCTACTGCCTGGAGCAGGGCCTCATCCACCG[C>T]TGTGCCAGCCAGTGCGTCGTGGCCTTGTCCATCTGCAGCGTGGAGATGCCTGACATCATC-3'
Protein context (NP_000539.2, residues 789-809): VYCLEQGLIH[Arg799=]CASQCVVALS